The following is an entry in ClinVar:

ClinVar aggregate classification (germline): Uncertain significance (1 of 4 stars; one submission).

Submission:

GeneDx
Classification: Uncertain significance. Last evaluated: 2025-03-14. Review status: criteria provided, single submitter. Criteria: GeneDx Variant Classification Process June 2021. Collection method: clinical testing. Allele origin: germline. Affected: yes.
Comment: Not observed at significant frequency in large population cohorts (gnomAD); In silico analysis supports that this missense variant has a deleterious effect on protein structure/function; Has not been previously published as pathogenic or benign to our knowledge

NM_025099.6(CTC1):c.3410C>A (p.Pro1137His)

Gene: CTC1 (CST telomere replication complex component 1; minus strand). Cytogenetic location: 17p13.1.
Variant type: single nucleotide variant.
Coding change: c.3410C>A on transcript NM_025099.6 (MANE Select); coding-DNA position 3410, C replaced by A.
Protein change: p.Pro1137His; replaces proline 1137 with histidine.
Molecular consequence: missense variant. On other transcripts: non-coding transcript variant (1).
Genome position (GRCh38, 1-based): chr17:8,228,607, G>T on the plus strand (C>A on the coding strand, the complement: CTC1 is on the minus strand). VCF-style: chr17-8228607-G-T. GRCh37 (hg19) VCF-style: chr17-8131925-G-T.
Other names: c.3179C>A, p.Pro1060His (NM_001411067.1); short protein forms P1060H, P1137H.
Identifiers: ClinVar variation 4083276 (VCV004083276.1).
Genomic context (GRCh38, chr17:8,228,607, plus strand): 5'-AGCACAATAGGACGGAGGACAGAGGGGCTAGTACAAAGTGTCCAGAGGAACATGGTCATG[G>T]GCTCGTCAACCCTGGCTGAAGACTAGAAAGAGAAGGTCAAGGTTAACTGGCTCCTAAACC-3'
Protein context (NP_079375.3, residues 1127-1147): QLESSARVDE[Pro1137His]MTMFLWTLCT